The following is an entry in ClinVar:

ClinVar aggregate classification (germline): Likely pathogenic (1 of 4 stars; one submission).

Conditions:
NOTCH2-related disorder. Also called: NOTCH2-related condition.

Submission:

PreventionGenetics, part of Exact Sciences
Classification: Likely pathogenic for NOTCH2-related condition. Last evaluated: 2025-09-03. Review status: criteria provided, single submitter. Criteria: ACMG Guidelines, 2015. Collection method: clinical testing. Allele origin: germline.
Comment: The NOTCH2 c.3233dupG variant is predicted to result in a frameshift and premature protein termination (p.Cys1078Trpfs*22). To our knowledge, this variant has not been reported in the literature or in a large population database (gnomAD), indicating this variant is rare. Frameshift variants in NOTCH2 are expected to be pathogenic. This variant is interpreted as likely pathogenic.

NM_024408.4(NOTCH2):c.3233dup (p.Cys1078fs)

Gene: NOTCH2 (notch receptor 2; minus strand). Cytogenetic location: 1p12.
Variant type: Duplication.
Coding change: c.3233dup on transcript NM_024408.4 (MANE Select); coding-DNA position 3233, one base duplicated (G; older notation c.3233dupG).
Protein change: p.Cys1078fs; shifts the reading frame from cysteine 1078.
Molecular consequence: frameshift variant.
Genome position (GRCh38, 1-based): chr1:119,937,961, C duplicated on the plus strand (G on the coding strand, the reverse complement: NOTCH2 is on the minus strand). VCF-style (leftmost placement, unchanged base first): chr1-119937960-G-GC. GRCh37 (hg19) VCF-style: chr1-120480583-G-GC.
Other names: c.3233dup, p.Cys1078fs (NM_001200001.2); short protein forms C1078fs.
Identifiers: ClinVar variation 4991504 (VCV004991504.1).